The following is an entry in ClinVar:

ClinVar aggregate classification (germline): Likely pathogenic (1 of 4 stars; one submission).

gnomAD v4.1: 2 of 1,610,572 alleles (0.00012%); highest among the groups gnomAD compares: Non-Finnish European, 0.00017%; no homozygotes.

Submission:

Labcorp Genetics (formerly Invitae), Labcorp
Classification: Likely pathogenic. Last evaluated: 2023-05-02. Review status: criteria provided, single submitter. Criteria: Invitae Variant Classification Sherloc (09022015). Collection method: clinical testing. Allele origin: germline.
Comment: In summary, the currently available evidence indicates that the variant is pathogenic, but additional data are needed to prove that conclusively. Therefore, this variant has been classified as Likely Pathogenic. Algorithms developed to predict the effect of sequence changes on RNA splicing suggest that this variant may disrupt the consensus splice site. This variant has not been reported in the literature in individuals affected with POLH-related conditions. This variant is not present in population databases (gnomAD no frequency). This sequence change affects an acceptor splice site in intron 5 of the POLH gene. It is expected to disrupt RNA splicing. Variants that disrupt the donor or acceptor splice site typically lead to a loss of protein function (PMID: 16199547), and loss-of-function variants in POLH are known to be pathogenic (PMID: 11773631, 24130121, 25256075).

Literature cited by the submitters: PubMed 16199547; PubMed 11773631; PubMed 24130121; PubMed 25256075.

NM_006502.3(POLH):c.661-2A>T

Gene: POLH (DNA polymerase eta; plus strand). Cytogenetic location: 6p21.1.
Variant type: single nucleotide variant.
Coding change: c.661-2A>T on transcript NM_006502.3 (MANE Select); the canonical splice acceptor site of the intron before coding-DNA position 661, A replaced by T.
Molecular consequence: splice acceptor variant.
Genome position (GRCh38, 1-based): chr6:43,600,986, A>T. VCF-style: chr6-43600986-A-T. GRCh37 (hg19) VCF-style: chr6-43568723-A-T.
Other names: c.661-2A>T (NM_001291970.2); c.289-2A>T (NM_001291969.2).
Identifiers: ClinVar variation 2861696 (VCV002861696.3), dbSNP rs1260938579, ClinGen allele CA364255694.